The following is an entry in ClinVar:

NM_000543.5(SMPD1):c.757G>C (p.Asp253His)

Gene: SMPD1 (sphingomyelin phosphodiesterase 1; plus strand). Cytogenetic location: 11p15.4.
Variant type: single nucleotide variant.
Coding change: c.757G>C on transcript NM_000543.5 (MANE Select); coding-DNA position 757, G replaced by C.
Protein change: p.Asp253His; replaces aspartic acid 253 with histidine.
Molecular consequence: missense variant. On other transcripts: 5 prime UTR variant (1), non-coding transcript variant (1).
Genome position (GRCh38, 1-based): chr11:6,391,822, G>C. VCF-style: chr11-6391822-G-C. GRCh37 (hg19) VCF-style: chr11-6413052-G-C.
Other names: c.754G>C, p.Asp252His (NM_001007593.3); c.757G>C, p.Asp253His (NM_001318087.2, NM_001365135.2); c.-205G>C (NM_001318088.2); short protein forms D253H, D252H.
Identifiers: ClinVar variation 93320 (VCV000093320.32), dbSNP rs398123479, ClinGen allele CA266816.

ClinVar aggregate classification (germline): Pathogenic/Likely pathogenic. Review status: criteria provided, multiple submitters, no conflicts (2 of 4 stars). 13 submissions from 12 submitters: Pathogenic (5); Likely pathogenic (5). 3 of the submissions do not count toward it. Last evaluated 2026-01-26.

Conditions:
SMPD1-related disorder. Also called: SMPD1-related condition.
Niemann-Pick disease, type A. Also called: Infantile Neurovisceral ASMD (Niemann-Pick Disease Type A; NPD-A); SPHINGOMYELIN LIPIDOSIS; SPHINGOMYELINASE DEFICIENCY. Identifiers: Orphanet 77292, MedGen C0268242, MONDO:0009756, OMIM 257200. Disease mechanism: loss of function.
Niemann-Pick disease, type B. Also called: Chronic Visceral ASMD (Niemann-Pick Disease Type B; NPD-B). Identifiers: Orphanet 77293, MedGen C0268243, MONDO:0011871, OMIM 607616. Disease mechanism: loss of function.
Sphingomyelin/cholesterol lipidosis. Also called: Niemann-Pick disease. Identifiers: MedGen C0028064, MONDO:0001982.

Allele frequency attached by ClinVar (database versions not stated): ExAC 0.00001; TOPMed 0.00002; gnomAD exomes 0.00005 and 0.00002; gnomAD 0.00001.

Submissions 1 to 8 of 13:

Labcorp Genetics (formerly Invitae), Labcorp
Classification: Pathogenic for Niemann-Pick disease, type B; Niemann-Pick disease, type A. Last evaluated: 2026-01-26. Review status: criteria provided, single submitter. Criteria: Invitae Variant Classification Sherloc (09022015). Collection method: clinical testing. Allele origin: germline.
Comment: This sequence change replaces aspartic acid, which is acidic and polar, with histidine, which is basic and polar, at codon 253 of the SMPD1 protein (p.Asp253His). This variant is present in population databases (rs398123479, gnomAD 0.004%). This missense change has been observed in individual(s) with Niemann-Pick disease (PMID: 20386867, 32714837). ClinVar contains an entry for this variant (Variation ID: 93320). Invitae Evidence Modeling of protein sequence and biophysical properties (such as structural, functional, and spatial information, amino acid conservation, physicochemical variation, residue mobility, and thermodynamic stability) indicates that this missense variant is expected to disrupt SMPD1 protein function with a positive predictive value of 95%. Experimental studies have shown that this missense change affects SMPD1 function (PMID: 20386867). This variant disrupts the p.Asp253 amino acid residue in SMPD1. Other variant(s) that disrupt this residue have been observed in individuals with SMPD1-related conditions (PMID: 23356216), which suggests that this may be a clinically significant amino acid residue. For these reasons, this variant has been classified as Pathogenic.

GeneDx
Classification: Pathogenic. Last evaluated: 2026-01-04. Review status: criteria provided, single submitter. Criteria: GeneDx Variant Classification Process June 2021. Collection method: clinical testing. Allele origin: germline. Affected: yes.
Comment: Reported previously in association with Niemann-Pick disease, types A/B, and expression studies in 293-T cells show that D253H is associated with less than 1% of wild-type acid sphingomyelinase enzyme activity (PMID: 20386867); Not observed at significant frequency in large population cohorts (gnomAD); In silico analysis supports that this missense variant has a deleterious effect on protein structure/function; This variant is associated with the following publications: (PMID: 23356216, 23770607, 23757202, 26499107, 30609409, 27659707, 32714837, 38992987, 20386867)

Natera, Inc.
Classification: Likely pathogenic for Niemann-Pick Disease, Types A/B. Last evaluated: 2025-05-21. Review status: criteria provided, single submitter. Criteria: Natera Variant Classification Schema (03/2026). Collection method: clinical testing. Allele origin: germline.
Comment: The c.757G>C variant in SMPD1 is a missense variant predicted to cause substitution of aspartic acid to histidine at amino acid 253. This variant is rare in the general population with a frequency below the threshold expected for the associated phenotype(s). This variant has been observed in one or more individuals affected with the associated recessive disease, as either homozygous or compound heterozygous with a second variant (PMID: 20386867, 32714837, 38992987). Functional studies show that this variant may disrupt protein function (PMID: 20386867). Computational prediction algorithms indicate this variant is likely to affect gene or protein function. Given the available evidence, this variant is classified as Likely Pathogenic.

Fulgent Genetics
Classification: Likely pathogenic for Niemann-Pick disease, type A; Niemann-Pick disease, type B. Last evaluated: 2024-03-22. Review status: criteria provided, single submitter. Criteria: ACMG Guidelines, 2015. Collection method: clinical testing. Allele origin: germline.

Baylor Genetics
Classification: Likely pathogenic for Niemann-Pick disease, type A. Last evaluated: 2024-01-27. Review status: criteria provided, single submitter. Criteria: ACMG Guidelines, 2015. Collection method: clinical testing. Allele origin: unknown.

Blueprint Genetics
Classification: Likely pathogenic for SMPD1-related disorders. Last evaluated: 2022-03-30. Review status: criteria provided, single submitter. Criteria: ACMG Guidelines, 2015. Collection method: clinical testing. Allele origin: germline. Affected: yes. Observed: 1 variant allele.

Women's Health and Genetics/Laboratory Corporation of America, LabCorp
Classification: Pathogenic for Niemann-Pick disease, type A. Last evaluated: 2021-09-18. Review status: criteria provided, single submitter. Criteria: LabCorp Variant Classification Summary - May 2015. Collection method: clinical testing. Allele origin: germline.
Comment: Variant summary: SMPD1 c.757G>C (p.Asp253His) results in a non-conservative amino acid change located in the Calcineurin-like phosphoesterase domain, ApaH type (IPR004843) of the encoded protein sequence. Four of four in-silico tools predict a damaging effect of the variant on protein function. The variant allele was found at a frequency of 1.6e-05 in 249222 control chromosomes. c.757G>C has been reported in the literature as a compound heterozygous genotype in at-least two clinically well characterized individuals affected with Niemann-Pick Disease Type A (example, Desnick_2010, Thurberg_2020). One of these two individuals displayed a characteristic autopsy pathology of infantile neurovisceral acid sphingomyelinase deficiency (Thurberg_2020). These data indicate that the variant is likely to be associated with disease. At least one publication reports experimental evidence evaluating an impact on protein function. The most pronounced variant effect results in <10% of normal acid sphingomyelinase enzyme activity in an in-vitro experimental system (example, Desnick_2010). Six clinical diagnostic laboratories have submitted clinical-significance assessments for this variant to ClinVar after 2014 without evidence for independent evaluation. All laboratories classified the variant as pathogenic (n=3)/likely pathogenic (n=3). Based on the evidence outlined above, the variant was classified as pathogenic.

Broad Center for Mendelian Genomics, Broad Institute of MIT and Harvard
Classification: Pathogenic for Sphingomyelin/cholesterol lipidosis. Last evaluated: 2020-01-22. Review status: criteria provided, single submitter. Criteria: ACMG Guidelines, 2015. Collection method: curation. Allele origin: germline. Inheritance: Autosomal recessive inheritance.
Comment: The p.Asp253His variant in SMPD1 (also known as p.Asp251His due to a difference in cDNA numbering) has been reported in 1 individual with Niemann-Pick disease (PMID: 20386867), in 1 individual with a child with Niemann-Pick disease whose other parent also had a pathogenic variant in SMPD1 (VariationID: 93320), and has been identified in 0.004% (4/113028) of European (non-Finnish) chromosomes by the Genome Aggregation Database (gnomAD; dbSNP rs398123479). Although this variant has been seen in the general population, its frequency is low enough to be consistent with a recessive carrier frequency. This variant has also been reported in ClinVar (VariationID: 93320) as likely pathogenic by the Laboratory for Molecular Medicine and Integrated Genetics and as pathogenic by EGL Genetic Diagnostics and GeneDx. One additional pathogenic variant, resulting in a different amino acid change at the same position, p.Asp253Glu, has been reported in association with disease in the literature, supporting that a change at this position may not be tolerated (PMID: 15877209, 15557261, 27349982). In vitro functional studies provide some evidence that the p.Asp253His variant may impact protein function (PMID: 20386867). However, these types of assays may not accurately represent biological function. Computational prediction tools and conservation analyses suggest that this variant may impact the protein, though this information is not predictive enough to determine pathogenicity. This variant was reported in combination with a reported likely pathogenic variant in an individual with Niemann-Pick disease (PMID: 20386867). The p.Asp253His variant is located in a region of SMPD1 that is essential to protein folding and stability, suggesting that this variant is in a functional domain and slightly supports pathogenicity (PMID: 27349982, 15557261). In summary, this variant meets criteria to be classified as pathogenic for Niemann-Pick disease in an autosomal recessive manner based on in vitro functional studies, the presence of another pathogenic variant in the same codon, and the residue being important for protein function and folding. ACMG/AMP Criteria applied: PS3, PM2, PM5, PP3, PM1_supporting (Richards 2015).